The following is an entry in ClinVar:

ClinVar aggregate classification (germline): Conflicting classifications of pathogenicity. Review status: criteria provided, conflicting classifications (1 of 4 stars). 4 submissions from 4 submitters: Likely pathogenic (2); Uncertain significance (1). 1 of the submissions does not count toward it. Last evaluated 2025-06-11.

Conditions:
Microcephalic primordial dwarfism due to ZNF335 deficiency. Also called: Primary autosomal recessive microcephaly 10. Identifiers: Orphanet 329228, MedGen C3554499, MONDO:0014043, OMIM 615095.

Allele frequency attached by ClinVar (database versions not stated): gnomAD exomes below 0.00001; ExAC 0.00001; gnomAD 0.00001.
gnomAD v4.1: 7 of 1,609,080 alleles (0.00044%); highest among the groups gnomAD compares: Middle Eastern, 0.067%; no homozygotes.

Submissions (4):

First Genomix Gene Laboratory, Genetic Diagnostics Department
Classification: Likely pathogenic for Microcephalic primordial dwarfism due to ZNF335 deficiency. Last evaluated: 2025-06-11. Review status: criteria provided, single submitter. Criteria: ACMG Guidelines, 2015. Collection method: clinical testing. Allele origin: germline. Inheritance: Autosomal recessive inheritance. Affected: no.

Genomic Medicine Center of Excellence, King Faisal Specialist Hospital and Research Centre
Classification: Uncertain significance for Microcephalic primordial dwarfism due to ZNF335 deficiency. Last evaluated: 2024-03-25. Review status: criteria provided, single submitter. Criteria: ACMG Guidelines, 2015. Collection method: research. Allele origin: germline.

CeGaT Center for Human Genetics Tuebingen
Classification: Likely pathogenic. Last evaluated: 2022-04-01. Review status: criteria provided, single submitter. Criteria: CeGaT Center For Human Genetics Tuebingen Variant Classification Criteria Version 2. Collection method: clinical testing. Allele origin: germline. Affected: yes. Observed: 1 variant allele.
Comment: ZNF335: PM1, PM2, PM3

Biochemical Molecular Genetic Laboratory, King Abdulaziz Medical City
Classification: Likely pathogenic for Microcephalic primordial dwarfism due to ZNF335 deficiency. Last evaluated: 2019-09-26. Review status: no assertion criteria provided. Collection method: clinical testing. Allele origin: germline. Affected: yes. Not counted in ClinVar's aggregate classification.

NM_022095.4(ZNF335):c.3158C>T (p.Pro1053Leu)

Gene: ZNF335 (zinc finger protein 335; minus strand). Cytogenetic location: 20q13.12.
Variant type: single nucleotide variant.
Coding change: c.3158C>T on transcript NM_022095.4 (MANE Select); coding-DNA position 3158, C replaced by T.
Protein change: p.Pro1053Leu; replaces proline 1053 with leucine.
Molecular consequence: missense variant.
Genome position (GRCh38, 1-based): chr20:45,952,178, G>A on the plus strand (C>T on the coding strand, the complement: ZNF335 is on the minus strand). VCF-style: chr20-45952178-G-A. GRCh37 (hg19) VCF-style: chr20-44580817-G-A.
Other names: short protein forms P1053L.
Identifiers: ClinVar variation 800946 (VCV000800946.35), dbSNP rs768092083, ClinGen allele CA9885144.